The following is an entry in ClinVar:

NM_001457.4(FLNB):c.7418-5C>A

Genes: FLNB (filamin B; plus strand), FLNB-AS1 (FLNB antisense RNA 1; minus strand). Cytogenetic location: 3p14.3.
Variant type: single nucleotide variant.
Coding change: c.7418-5C>A on transcript NM_001457.4 (MANE Select); 5 bases into the intron before coding-DNA position 7418, C replaced by A.
Molecular consequence: intron variant.
Genome position (GRCh38, 1-based): chr3:58,169,585, C>A. VCF-style: chr3-58169585-C-A. GRCh37 (hg19) VCF-style: chr3-58155312-C-A.
Other names: c.7511-5C>A (NM_001164317.2); c.7385-5C>A (NM_001164318.2); c.7346-5C>A (NM_001164319.2).
Identifiers: ClinVar variation 736319 (VCV000736319.10), dbSNP rs1032256376, ClinGen allele CA75433367.

ClinVar aggregate classification (germline): Conflicting classifications of pathogenicity. Review status: criteria provided, conflicting classifications (1 of 4 stars). 3 submissions from 3 submitters: Uncertain significance (1); Likely benign (2). Last evaluated 2025-05-11.

gnomAD v4.1: 2 of 1,613,290 alleles (0.00012%); no homozygotes.

Submissions (3):

Labcorp Genetics (formerly Invitae), Labcorp
Classification: Likely benign. Last evaluated: 2025-05-11. Review status: criteria provided, single submitter. Criteria: Invitae Variant Classification Sherloc (09022015). Collection method: clinical testing. Allele origin: germline.

Blueprint Genetics
Classification: Likely benign. Last evaluated: 2024-10-23. Review status: criteria provided, single submitter. Criteria: ACMG Guidelines, 2015. Collection method: clinical testing. Allele origin: germline.

ARUP Laboratories, Molecular Genetics and Genomics, ARUP Laboratories
Classification: Uncertain significance. Last evaluated: 2024-07-22. Review status: criteria provided, single submitter. Criteria: ARUP Molecular Germline Variant Investigation Process 2024. Collection method: clinical testing. Allele origin: germline.
Comment: The FLNB c.7418-5C>A variant (rs1032256376), to our knowledge, is not reported in the medical literature but is reported in ClinVar (Variation ID: 736319). This variant is absent from the Genome Aggregation Database (v2.1.1), indicating it is not a common polymorphism. This is an intronic variant and computational analyses (Alamut Visual Plus v.1.5.1) predict that this variant may impact splicing by weakening the nearby canonical acceptor splice site. However, given the lack of clinical and functional data, the significance of this variant is uncertain at this time.